The following is an entry in ClinVar:

NM_138694.4(PKHD1):c.339A>T (p.Gly113=)

Gene: PKHD1 (PKHD1 ciliary IPT domain containing fibrocystin/polyductin; minus strand). Cytogenetic location: 6p12.2.
Variant type: single nucleotide variant.
Coding change: c.339A>T on transcript NM_138694.4 (MANE Select); coding-DNA position 339, A replaced by T.
Protein change: p.Gly113=; no amino-acid change (glycine 113 retained).
Molecular consequence: synonymous variant.
Genome position (GRCh38, 1-based): chr6:52,079,951, T>A on the plus strand (A>T on the coding strand, the complement: PKHD1 is on the minus strand). VCF-style: chr6-52079951-T-A. GRCh37 (hg19) VCF-style: chr6-51944749-T-A.
Other names: c.339A>T, p.Gly113= (NM_170724.3); c.339A>T (NM_138694.3).
Identifiers: ClinVar variation 1096253 (VCV001096253.10), dbSNP rs539738170, ClinGen allele CA3853962.

ClinVar aggregate classification (germline): Likely benign. Review status: criteria provided, multiple submitters, no conflicts (2 of 4 stars). 2 submissions from 2 submitters: Likely benign (2). Last evaluated 2025-10-24.

Conditions:
Autosomal recessive polycystic kidney disease (ARPKD). Also called: AR polycystic kidney disease. Identifiers: Orphanet 731, Orphanet 8378, MedGen C0085548, MeSH D017044, MONDO:0009889.
PKHD1-related disorder. Also called: PKHD1-related condition.

Allele frequency attached by ClinVar (database versions not stated): gnomAD 0.00001; TOPMed 0.00001; gnomAD exomes 0.00009; ExAC 0.00012; 1000 Genomes Project 30x 0.00016; 1000 Genomes Project 0.00020.
gnomAD v4.1: 145 of 1,612,308 alleles (0.009%); highest among the groups gnomAD compares: South Asian, 0.036%; 1 homozygote.

Submissions (2):

PreventionGenetics, part of Exact Sciences
Classification: Likely benign for PKHD1-related condition. Last evaluated: 2025-10-24. Review status: criteria provided, single submitter. Criteria: ACMG Guidelines, 2015. Collection method: clinical testing. Allele origin: germline.
Comment: This variant is classified as likely benign based on ACMG/AMP sequence variant interpretation guidelines (Richards et al. 2015 PMID: 25741868, with internal and published modifications).

Labcorp Genetics (formerly Invitae), Labcorp
Classification: Likely benign for Autosomal recessive polycystic kidney disease. Last evaluated: 2024-12-04. Review status: criteria provided, single submitter. Criteria: Invitae Variant Classification Sherloc (09022015). Collection method: clinical testing. Allele origin: germline.